The following is an entry in ClinVar:

ClinVar aggregate classification (germline): Uncertain significance (1 of 4 stars; one submission).

Conditions:
Hereditary cancer-predisposing syndrome. Also called: Neoplastic Syndromes, Hereditary; Tumor predisposition; Hereditary neoplastic syndrome; Hereditary Cancer Syndrome. Identifiers: Orphanet 140162, MedGen C0027672, MeSH D009386, MONDO:0015356.

Submission:

Ambry Genetics
Classification: Uncertain significance for Hereditary cancer-predisposing syndrome. Last evaluated: 2019-04-22. Review status: criteria provided, single submitter. Criteria: Ambry Variant Classification Scheme 2023. Collection method: clinical testing. Allele origin: germline.
Comment: The p.M192I variant (also known as c.576G>A), located in coding exon 6 of the MRE11A gene, results from a G to A substitution at nucleotide position 576. The methionine at codon 192 is replaced by isoleucine, an amino acid with highly similar properties. This amino acid position is highly conserved in available vertebrate species. In addition, this alteration is predicted to be deleterious by in silico analysis. Since supporting evidence is limited at this time, the clinical significance of this alteration remains unclear.

NM_005591.4(MRE11):c.576G>A (p.Met192Ile)

Gene: MRE11 (MRE11 double strand break repair nuclease; minus strand). Cytogenetic location: 11q21.
Variant type: single nucleotide variant.
Coding change: c.576G>A on transcript NM_005591.4 (MANE Select); coding-DNA position 576, G replaced by A.
Protein change: p.Met192Ile; replaces methionine 192 with isoleucine.
Molecular consequence: missense variant.
Genome position (GRCh38, 1-based): chr11:94,476,372, C>T on the plus strand (G>A on the coding strand, the complement: MRE11 is on the minus strand). VCF-style: chr11-94476372-C-T. GRCh37 (hg19) VCF-style: chr11-94209538-C-T.
Other names: c.576G>A, p.Met192Ile (NM_001330347.2, NM_005590.4); short protein forms M192I.
Identifiers: ClinVar variation 825954 (VCV000825954.4), dbSNP rs1591703275, ClinGen allele CA382376946.